The following is an entry in ClinVar:

NM_001572.5(IRF7):c.923C>T (p.Pro308Leu)

Gene: IRF7 (interferon regulatory factor 7; minus strand). Cytogenetic location: 11p15.5.
Variant type: single nucleotide variant.
Coding change: c.923C>T on transcript NM_001572.5 (MANE Select); coding-DNA position 923, C replaced by T.
Protein change: p.Pro308Leu; replaces proline 308 with leucine.
Molecular consequence: missense variant.
Genome position (GRCh38, 1-based): chr11:613,520, G>A on the plus strand (C>T on the coding strand, the complement: IRF7 is on the minus strand). VCF-style: chr11-613520-G-A. GRCh37 (hg19) VCF-style: chr11-613520-G-A.
Other names: c.836C>T, p.Pro279Leu (NM_004029.4); c.962C>T, p.Pro321Leu (NM_004031.4); short protein forms P321L, P308L, P279L.
Identifiers: ClinVar variation 3630982 (VCV003630982.2).

ClinVar aggregate classification (germline): Uncertain significance (1 of 4 stars; one submission).

Conditions:
Immunodeficiency 39 (IMD39). Identifiers: Orphanet 574918, MedGen C4225358, MONDO:0014597, OMIM 616345.

gnomAD v4.1: 1 of 1,563,588 alleles (0.000064%); highest among the groups gnomAD compares: Non-Finnish European, 0.000086%; no homozygotes.

Submission:

Labcorp Genetics (formerly Invitae), Labcorp
Classification: Uncertain significance for Immunodeficiency 39. Last evaluated: 2024-05-06. Review status: criteria provided, single submitter. Criteria: Invitae Variant Classification Sherloc (09022015). Collection method: clinical testing. Allele origin: germline.
Comment: This sequence change replaces proline, which is neutral and non-polar, with leucine, which is neutral and non-polar, at codon 321 of the IRF7 protein (p.Pro321Leu). This variant is not present in population databases (gnomAD no frequency). This variant has not been reported in the literature in individuals affected with IRF7-related conditions. Advanced modeling of protein sequence and biophysical properties (such as structural, functional, and spatial information, amino acid conservation, physicochemical variation, residue mobility, and thermodynamic stability) performed at Invitae indicates that this missense variant is not expected to disrupt IRF7 protein function with a negative predictive value of 80%. In summary, the available evidence is currently insufficient to determine the role of this variant in disease. Therefore, it has been classified as a Variant of Uncertain Significance.